The following is an entry in ClinVar:

ClinVar aggregate classification (germline): Likely benign (0 of 4 stars; one submission).

Conditions:
TOPBP1-related disorder. Also called: TOPBP1-related condition.

Allele frequency attached by ClinVar (database versions not stated): gnomAD exomes 0.00020; ExAC 0.00136; 1000 Genomes Project 0.00180; 1000 Genomes Project 30x 0.00219; gnomAD 0.00228; TOPMed 0.00238; ESP Exome Variant Server 0.00242.
gnomAD v4.1: 633 of 1,595,760 alleles (0.04%); highest among the groups gnomAD compares: African/African-American, 0.76%; 1 homozygote.

Submission:

PreventionGenetics, part of Exact Sciences
Classification: Likely benign for TOPBP1-related condition. Last evaluated: 2019-04-11. Review status: no assertion criteria provided. Collection method: clinical testing. Allele origin: germline.
Comment: This variant is classified as likely benign based on ACMG/AMP sequence variant interpretation guidelines (Richards et al. 2015 PMID: 25741868, with internal and published modifications).

NM_007027.4(TOPBP1):c.2799T>C (p.Asp933=)

Gene: TOPBP1 (DNA topoisomerase II binding protein 1; minus strand). Cytogenetic location: 3q22.1.
Variant type: single nucleotide variant.
Coding change: c.2799T>C on transcript NM_007027.4 (MANE Select); coding-DNA position 2799, T replaced by C.
Protein change: p.Asp933=; no amino-acid change (aspartic acid 933 retained).
Molecular consequence: synonymous variant.
Genome position (GRCh38, 1-based): chr3:133,628,367, A>G on the plus strand (T>C on the coding strand, the complement: TOPBP1 is on the minus strand). VCF-style: chr3-133628367-A-G. GRCh37 (hg19) VCF-style: chr3-133347211-A-G.
Other names: c.2784T>C, p.Asp928= (NM_001363889.2).
Identifiers: ClinVar variation 3058640 (VCV003058640.2), dbSNP rs61748108, ClinGen allele CA2624176.